The following is an entry in ClinVar:

ClinVar aggregate classification (germline): Uncertain significance. Review status: criteria provided, multiple submitters, no conflicts (2 of 4 stars). 2 submissions from 2 submitters: Uncertain significance (2). Last evaluated 2025-08-22.

Conditions:
Inborn genetic diseases. Identifiers: MedGen C0950123, MeSH D030342.

gnomAD v4.1: 1 of 1,613,860 alleles (0.000062%); highest among the groups gnomAD compares: Non-Finnish European, 0.000085%; no homozygotes.

Submissions (2):

Ambry Genetics
Classification: Uncertain significance for Inborn genetic diseases. Last evaluated: 2025-08-22. Review status: criteria provided, single submitter. Criteria: Ambry Variant Classification Scheme 2023. Collection method: clinical testing. Allele origin: germline.

Labcorp Genetics (formerly Invitae), Labcorp
Classification: Uncertain significance. Last evaluated: 2023-02-11. Review status: criteria provided, single submitter. Criteria: Invitae Variant Classification Sherloc (09022015). Collection method: clinical testing. Allele origin: germline.
Comment: This sequence change replaces valine, which is neutral and non-polar, with leucine, which is neutral and non-polar, at codon 100 of the TANGO2 protein (p.Val100Leu). This variant is present in population databases (rs772019892, gnomAD 0.0009%). This variant has not been reported in the literature in individuals affected with TANGO2-related conditions. An algorithm developed to predict the effect of missense changes on protein structure and function (PolyPhen-2) suggests that this variant¬† is likely to be tolerated. In summary, the available evidence is currently insufficient to determine the role of this variant in disease. Therefore, it has been classified as a Variant of Uncertain Significance.

NM_152906.7(TANGO2):c.298G>C (p.Val100Leu)

Gene: TANGO2 (transport and golgi organization 2 homolog; plus strand). Cytogenetic location: 22q11.21.
Variant type: single nucleotide variant.
Coding change: c.298G>C on transcript NM_152906.7 (MANE Select); coding-DNA position 298, G replaced by C.
Protein change: p.Val100Leu; replaces valine 100 with leucine.
Molecular consequence: missense variant. On other transcripts: non-coding transcript variant (1), intron variant (18).
Genome position (GRCh38, 1-based): chr22:20,053,469, G>C. VCF-style: chr22-20053469-G-C. GRCh37 (hg19) VCF-style: chr22-20040992-G-C.
Other names: c.298G>C, p.Val100Leu (NM_001283106.3, NM_001283116.3, NM_001283148.3 and 3 more transcripts); c.421G>C, p.Val141Leu (NM_001283129.3, NM_001283215.3, NM_001322141.2 and 3 more transcripts); c.196G>C, p.Val66Leu (NM_001322146.2, NM_001322148.2, NM_001322160.2); c.265+885G>C (NM_001322163.2, NM_001283179.3, NM_001322167.2 and 4 more transcripts); c.86+885G>C (NM_001322174.2, NM_001322172.2, NM_001322175.2 and 6 more transcripts); c.388+885G>C (NM_001322145.2, NM_001322147.2); c.298G>C (NM_152906.4); short protein forms V100L, V141L, V66L.
Identifiers: ClinVar variation 2779778 (VCV002779778.2), dbSNP rs772019892, ClinGen allele CA10106283.